The following is an entry in ClinVar:

ClinVar aggregate classification (germline): Likely pathogenic (1 of 4 stars; one submission).

Conditions:
Neuronal ceroid lipofuscinosis. Also called: Neuronal Ceroid Lipofuscinoses. Identifiers: Orphanet 216, Orphanet 79263, MedGen C0027877, MONDO:0016295. Disease mechanism: loss of function.

Submission:

Labcorp Genetics (formerly Invitae), Labcorp
Classification: Likely pathogenic for Neuronal ceroid lipofuscinosis. Last evaluated: 2020-01-07. Review status: criteria provided, single submitter. Criteria: Invitae Variant Classification Sherloc (09022015). Collection method: clinical testing. Allele origin: germline.
Comment: In summary, the currently available evidence indicates that the variant is pathogenic, but additional data are needed to prove that conclusively. Therefore, this variant has been classified as Likely Pathogenic. This variant has not been reported in the literature in individuals with CLN6-related conditions. Algorithms developed to predict the effect of sequence changes on RNA splicing suggest that this variant may disrupt the consensus splice site, but this prediction has not been confirmed by published transcriptional studies. Donor and acceptor splice site variants typically lead to a loss of protein function (PMID: 16199547), and loss-of-function variants in CLN6 are known to be pathogenic (PMID: 19135028). This sequence change affects an acceptor splice site in intron 5 of the CLN6 gene. It is expected to disrupt RNA splicing and likely results in an absent or disrupted protein product. This variant is not present in population databases (ExAC no frequency).

Literature cited by the submitters: PubMed 16199547; PubMed 19135028.

NM_017882.3(CLN6):c.543-2A>G

Gene: CLN6 (CLN6 transmembrane ER protein; minus strand). Cytogenetic location: 15q23.
Variant type: single nucleotide variant.
Coding change: c.543-2A>G on transcript NM_017882.3 (MANE Select); the canonical splice acceptor site of the intron before coding-DNA position 543, A replaced by G.
Molecular consequence: splice acceptor variant.
Genome position (GRCh38, 1-based): chr15:68,209,761, T>C on the plus strand (A>G on the coding strand, the complement: CLN6 is on the minus strand). VCF-style: chr15-68209761-T-C. GRCh37 (hg19) VCF-style: chr15-68502099-T-C.
Other names: c.639-2A>G (NM_001411068.1).
Identifiers: ClinVar variation 1066225 (VCV001066225.9), dbSNP rs2141137336, ClinGen allele CA392973075.